The following is an entry in ClinVar:

NC_000013.11:g.(?_32354855)_(32357935_?)del

Gene: BRCA2 (BRCA2 DNA repair associated; plus strand). Cytogenetic location: 13q13.1.
Variant type: Deletion.
Identifiers: ClinVar variation 462168 (VCV000462168.1).

ClinVar aggregate classification (germline): Likely pathogenic (1 of 4 stars; one submission).

Conditions:
Hereditary breast ovarian cancer syndrome. Also called: Hereditary breast and ovarian cancer syndrome (HBOC); Hereditary breast and ovarian cancer syndrome; Breast and ovarian cancer; Hereditary breast and/or ovarian cancer syndrome; Hereditary breast and ovarian cancer; BRCA1- and BRCA2-Associated Hereditary Breast and Ovarian Cancer. Identifiers: Orphanet 145, MedGen C0677776, MeSH D061325, MONDO:0003582. Disease mechanism: loss of function.

Submission:

Labcorp Genetics (formerly Invitae), Labcorp
Classification: Likely pathogenic for Hereditary breast and ovarian cancer syndrome. Last evaluated: 2018-01-10. Review status: criteria provided, single submitter. Criteria: Invitae Variant Classification Sherloc (09022015). Collection method: clinical testing. Allele origin: germline.
Comment: This variant is an in-frame deletion of the genomic region encompassing exons 14-16 of the BRCA2 gene. It preserves the integrity of the reading frame. This variant has been reported in individuals and families affected with breast cancer, including male breast cancer (PMID: 15863663, 20617377), and individuals affected with prostate cancer (PMID: 20736950). ClinVar contains an entry for this variant (Variation ID: 267671). While this variant is not expected to result in nonsense mediated decay, it is expected to delete amino acid residues Thr2337-Arg2602 of the BRCA2 protein (PMID: 24323938), thereby removing the interaction domains for FANCG and FANCD2 (residues Thr2350-Val2545) (PMID: 12915460, 15115758). Although functional studies have not been done for this particular variant, loss of this region of the protein likely disrupts the D1-D2-G-X3 complex (BRCA2-FANCD2-FANCG-XRCC3), leading to impaired homologous recombination repair (PMID: 18212739, 20450923). This deleted region has also been shown to be important for the interaction between BRCA2 and DMC1 (PMID: 17541404). In summary, this variant is a rare in-frame deletion that has been observed in several affected individuals, and likely disrupts an important functional domain in the BRCA2 protein. This evidence indicates that the variant is pathogenic, but additional data is needed to prove that conclusively. Therefore, this variant has been classified as Likely Pathogenic.

Literature cited by the submitters: PubMed 20736950; PubMed 15863663; PubMed 24323938; PubMed 18212739; PubMed 20450923; PubMed 12915460; PubMed 15115758; PubMed 20617377; PubMed 17541404.